The following is an entry in ClinVar:

ClinVar aggregate classification (germline): Uncertain significance (1 of 4 stars; one submission).

Submission:

GeneDx
Classification: Uncertain significance. Last evaluated: 2025-09-26. Review status: criteria provided, single submitter. Criteria: GeneDx Variant Classification Process June 2021. Collection method: clinical testing. Allele origin: germline. Affected: yes.
Comment: Not observed at significant frequency in large population cohorts (gnomAD); Has not been previously published as pathogenic or benign to our knowledge; Located in a regulatory region; in the absence of functional studies, the actual effect of this sequence change is unknown

NM_001451.3(FOXF1):c.-1G>A

Gene: FOXF1 (forkhead box F1; plus strand). Cytogenetic location: 16q24.1.
Variant type: single nucleotide variant.
Coding change: c.-1G>A on transcript NM_001451.3 (MANE Select); 1 bases upstream of the start codon, G replaced by A.
Molecular consequence: 5 prime UTR variant.
Genome position (GRCh38, 1-based): chr16:86,510,569, G>A. VCF-style: chr16-86510569-G-A. GRCh37 (hg19) VCF-style: chr16-86544175-G-A.
Identifiers: ClinVar variation 4818903 (VCV004818903.1).